The following is an entry in ClinVar:

NM_025145.7(CFAP43):c.1029T>C (p.Ile343=)

Gene: CFAP43 (cilia and flagella associated protein 43; minus strand). Cytogenetic location: 10q25.1.
Variant type: single nucleotide variant.
Coding change: c.1029T>C on transcript NM_025145.7 (MANE Select); coding-DNA position 1029, T replaced by C.
Protein change: p.Ile343=; no amino-acid change (isoleucine 343 retained).
Molecular consequence: synonymous variant.
Genome position (GRCh38, 1-based): chr10:104,203,738, A>G on the plus strand (T>C on the coding strand, the complement: CFAP43 is on the minus strand). VCF-style: chr10-104203738-A-G. GRCh37 (hg19) VCF-style: chr10-105963496-A-G.
Identifiers: ClinVar variation 3040567 (VCV003040567.2), dbSNP rs139423281, ClinGen allele CA5681049.
Genomic context (GRCh38, chr10:104,203,738, plus strand): 5'-TGTTTGAATCAGCAACACTGTATAATTGGGAGAAAATGTCATATGTTCTACAGGTCTTTC[A>G]ATCTCAAGAAAATCCTCGATCATGTAACTTCTATCTTTAATAATAAAAGAATACACAAAG-3'
Protein context (NP_079421.5, residues 333-353): RSYMIEDFLE[Ile343=]ERPVEHMTFS

ClinVar aggregate classification (germline): Likely benign (0 of 4 stars; one submission).

Conditions:
CFAP43-related disorder. Also called: CFAP43-related condition.

Allele frequency attached by ClinVar (database versions not stated): ExAC 0.00006; gnomAD 0.00010; gnomAD exomes 0.00012; TOPMed 0.00012; ESP Exome Variant Server 0.00015.
gnomAD v4.1: 186 of 1,611,444 alleles (0.012%); highest among the groups gnomAD compares: Middle Eastern, 0.016%; no homozygotes.

Submission:

PreventionGenetics, part of Exact Sciences
Classification: Likely benign for CFAP43-related condition. Last evaluated: 2024-04-03. Review status: no assertion criteria provided. Collection method: clinical testing. Allele origin: germline.
Comment: This variant is classified as likely benign based on ACMG/AMP sequence variant interpretation guidelines (Richards et al. 2015 PMID: 25741868, with internal and published modifications).